The following is an entry in ClinVar:

ClinVar aggregate classification (germline): Uncertain significance (1 of 4 stars; one submission).

Conditions:
Leber congenital amaurosis 9 (LCA9). Also called: LCA9 Leber Congenital Amaurosis; LCA 9; Amaurosis congenita of Leber, type 9. Identifiers: Orphanet 65, MedGen C1837873, MONDO:0012056, OMIM 608553.

Allele frequency attached by ClinVar (database versions not stated): gnomAD exomes below 0.00001; ExAC 0.00001.

Submission:

Labcorp Genetics (formerly Invitae), Labcorp
Classification: Uncertain significance for Leber congenital amaurosis 9. Last evaluated: 2021-04-03. Review status: criteria provided, single submitter. Criteria: Invitae Variant Classification Sherloc (09022015). Collection method: clinical testing. Allele origin: germline.
Comment: In summary, the available evidence is currently insufficient to determine the role of this variant in disease. Therefore, it has been classified as a Variant of Uncertain Significance. Algorithms developed to predict the effect of sequence changes on RNA splicing suggest that this variant may create or strengthen a splice site, but this prediction has not been confirmed by published transcriptional studies. Algorithms developed to predict the effect of missense changes on protein structure and function are either unavailable or do not agree on the potential impact of this missense change (SIFT: "Deleterious"; PolyPhen-2: "Possibly Damaging"; Align-GVGD: "Class C0"). This variant has not been reported in the literature in individuals with NMNAT1-related conditions. This variant is present in population databases (rs767485367, ExAC 0.001%). This sequence change replaces arginine with glutamine at codon 188 of the NMNAT1 protein (p.Arg188Gln). The arginine residue is highly conserved and there is a small physicochemical difference between arginine and glutamine.

NM_022787.4(NMNAT1):c.563G>A (p.Arg188Gln)

Gene: NMNAT1 (nicotinamide nucleotide adenylyltransferase 1; plus strand). Cytogenetic location: 1p36.22.
Variant type: single nucleotide variant.
Coding change: c.563G>A on transcript NM_022787.4 (MANE Select); coding-DNA position 563, G replaced by A.
Protein change: p.Arg188Gln; replaces arginine 188 with glutamine.
Molecular consequence: missense variant.
Genome position (GRCh38, 1-based): chr1:9,982,424, G>A. VCF-style: chr1-9982424-G-A. GRCh37 (hg19) VCF-style: chr1-10042482-G-A.
Other names: c.563G>A, p.Arg188Gln (NM_001297778.1); short protein forms R188Q.
Identifiers: ClinVar variation 1514345 (VCV001514345.8), dbSNP rs767485367, ClinGen allele CA579284.